The following is an entry in ClinVar:

ClinVar aggregate classification (germline): Uncertain significance (1 of 4 stars; one submission).

Conditions:
Familial adenomatous polyposis 2. Also called: ADENOMAS, MULTIPLE COLORECTAL, AUTOSOMAL RECESSIVE; MUTYH Polyposis; MUTYH-related attenuated familial adenomatous polyposis; Adenomas, multiple colorectal; MUTYH-associated polyposis; COLORECTAL ADENOMATOUS POLYPOSIS, AUTOSOMAL RECESSIVE. Identifiers: Orphanet 220460, Orphanet 247798, MedGen C3272841, MONDO:0012041, OMIM 608456.

Submission:

MGZ Medical Genetics Center
Classification: Uncertain significance for Familial adenomatous polyposis 2. Last evaluated: 2022-05-10. Review status: criteria provided, single submitter. Criteria: ACMG Guidelines, 2015. Collection method: clinical testing. Allele origin: germline. Affected: yes. Observed: 1 variant allele.
Comment: ACMG criteria applied: PM2_SUP, BP4

NM_001048174.2(MUTYH):c.1230C>A (p.His410Gln)

Gene: MUTYH (mutY DNA glycosylase; minus strand). Cytogenetic location: 1p34.1.
Variant type: single nucleotide variant.
Coding change: c.1230C>A on transcript NM_001048174.2 (MANE Select); coding-DNA position 1230, C replaced by A.
Protein change: p.His410Gln; replaces histidine 410 with glutamine.
Molecular consequence: missense variant. On other transcripts: non-coding transcript variant (2).
Genome position (GRCh38, 1-based): chr1:45,331,429, G>T on the plus strand (C>A on the coding strand, the complement: MUTYH is on the minus strand). VCF-style: chr1-45331429-G-T. GRCh37 (hg19) VCF-style: chr1-45797101-G-T.
Other names: c.1230C>A, p.His410Gln (NM_001048171.2, NM_001048173.2, NM_001293195.2 and 6 more transcripts); c.1233C>A, p.His411Gln (NM_001048172.2, NM_001407086.1, NM_001407071.1 and 1 more transcripts); c.1314C>A, p.His438Gln (NM_001128425.2); c.1275C>A, p.His425Gln (NM_001293190.2); c.1263C>A, p.His421Gln (NM_001293191.2, NM_001407069.1, NM_001407077.1); c.954C>A, p.His318Gln (NM_001293192.2, NM_001293196.2, NM_001407091.1); c.885C>A, p.His295Gln (NM_001350650.2, NM_001407082.1, NM_001350651.2); c.1188C>A, p.His396Gln (NM_001407080.1); and 5 more; short protein forms H295Q, H318Q, H382Q, H396Q, H397Q, H410Q, H411Q, H417Q.
Identifiers: ClinVar variation 1709273 (VCV001709273.2), dbSNP rs776022816, ClinGen allele CA340132842.
Genomic context (GRCh38, chr1:45,331,429, plus strand): 5'-TGGATATAGCCTCAAAAGCCAACATCCTTGGCTATTCCGCTGCTCACTTACCTCCCCAAG[G>T]TGCCGGAGGTGCGTGGCTGGGAGGGGCCCAGCCCAACGCTGTAGTTCCTGCAGCAGGGCC-3'
Protein context (NP_001041639.1, residues 400-420): AGPLPATHLR[His410Gln]LGEVVHTFSH